The following is an entry in ClinVar:

ClinVar aggregate classification (germline): Uncertain significance. Review status: criteria provided, multiple submitters, no conflicts (2 of 4 stars). 3 submissions from 3 submitters: Uncertain significance (3). Last evaluated 2025-06-18.

Conditions:
Hereditary cancer-predisposing syndrome. Also called: Tumor predisposition; Hereditary neoplastic syndrome; Hereditary Cancer Syndrome; Neoplastic Syndromes, Hereditary. Identifiers: Orphanet 140162, MedGen C0027672, MeSH D009386, MONDO:0015356.
Inflammatory skin and bowel disease, neonatal, 2 (NNCIS). Identifiers: Orphanet 294023, MedGen C4015130, MONDO:0014481, OMIM 616069.
Lung cancer. Also called: Malignant tumor of lung; Lung cancer, somatic. Identifiers: MedGen C0242379, MONDO:0008903, OMIM 211980.
EGFR-related lung cancer (EGFR). Identifiers: MedGen CN130014.

Allele frequency attached by ClinVar (database versions not stated): gnomAD exomes below 0.00001 and 0.00001.
gnomAD v4.1: 11 of 1,614,180 alleles (0.00068%); highest among the groups gnomAD compares: Non-Finnish European, 0.00093%; no homozygotes.

Submissions (3):

Ambry Genetics
Classification: Uncertain significance for Hereditary cancer-predisposing syndrome. Last evaluated: 2025-06-18. Review status: criteria provided, single submitter. Criteria: Ambry Variant Classification Scheme 2023. Collection method: clinical testing. Allele origin: germline.
Comment: The p.V96M variant (also known as c.286G>A), located in coding exon 3 of the EGFR gene, results from a G to A substitution at nucleotide position 286. The valine at codon 96 is replaced by methionine, an amino acid with highly similar properties. This amino acid position is well conserved in available vertebrate species. In addition, the in silico prediction for this alteration is inconclusive. Based on the available evidence, the clinical significance of this variant remains unclear.

Fulgent Genetics
Classification: Uncertain significance for Lung cancer; Inflammatory skin and bowel disease, neonatal, 2. Last evaluated: 2024-06-05. Review status: criteria provided, single submitter. Criteria: ACMG Guidelines, 2015. Collection method: clinical testing. Allele origin: germline.

Labcorp Genetics (formerly Invitae), Labcorp
Classification: Uncertain significance for EGFR-related lung cancer. Last evaluated: 2024-05-27. Review status: criteria provided, single submitter. Criteria: Invitae Variant Classification Sherloc (09022015). Collection method: clinical testing. Allele origin: germline.
Comment: This sequence change replaces valine, which is neutral and non-polar, with methionine, which is neutral and non-polar, at codon 96 of the EGFR protein (p.Val96Met). This variant is present in population databases (no rsID available, gnomAD 0.0009%). This variant has not been reported in the literature in individuals affected with EGFR-related conditions. ClinVar contains an entry for this variant (Variation ID: 1051224). Advanced modeling of protein sequence and biophysical properties (such as structural, functional, and spatial information, amino acid conservation, physicochemical variation, residue mobility, and thermodynamic stability) performed at Invitae indicates that this missense variant is not expected to disrupt EGFR protein function with a negative predictive value of 80%. In summary, the available evidence is currently insufficient to determine the role of this variant in disease. Therefore, it has been classified as a Variant of Uncertain Significance.

NM_005228.5(EGFR):c.286G>A (p.Val96Met)

Gene: EGFR (epidermal growth factor receptor; plus strand). Cytogenetic location: 7p11.2.
Variant type: single nucleotide variant.
Coding change: c.286G>A on transcript NM_005228.5 (MANE Select); coding-DNA position 286, G replaced by A.
Protein change: p.Val96Met; replaces valine 96 with methionine.
Molecular consequence: missense variant. On other transcripts: intron variant (1).
Genome position (GRCh38, 1-based): chr7:55,143,350, G>A. VCF-style: chr7-55143350-G-A. GRCh37 (hg19) VCF-style: chr7-55211043-G-A.
Other names: c.286G>A (NM_005228.3); c.286G>A, p.Val96Met (NM_001346897.2, NM_001346898.2, NM_001346899.2 and 3 more transcripts); c.127G>A, p.Val43Met (NM_001346900.2); c.89-12480G>A (NM_001346941.2); short protein forms V43M, V96M.
Identifiers: ClinVar variation 1051224 (VCV001051224.9), dbSNP rs1260357262, ClinGen allele CA367575711.
Genomic context (GRCh38, chr7:55,143,350, plus strand): 5'-GTTTTCTCTTCTTAGACCATCCAGGAGGTGGCTGGTTATGTCCTCATTGCCCTCAACACA[G>A]TGGAGCGAATTCCTTTGGAAAACCTGCAGATCATCAGAGGAAATATGTACTACGAAAATT-3'
Protein context (NP_005219.2, residues 86-106): AGYVLIALNT[Val96Met]ERIPLENLQI